The following is an entry in ClinVar:

ClinVar aggregate classification (germline): Uncertain significance. Review status: criteria provided, multiple submitters, no conflicts (2 of 4 stars). 3 submissions from 3 submitters: Uncertain significance (3). Last evaluated 2024-12-23.

Conditions:
Atrioventricular septal defect 4 (AVSD4). Identifiers: MedGen C3280781, MONDO:0013747, OMIM 614430.
Cardiovascular phenotype. Identifiers: MedGen CN230736.

gnomAD v4.1: 3 of 1,614,044 alleles (0.00019%); highest among the groups gnomAD compares: Admixed American, 0.0017%; no homozygotes.

Submissions (3):

Ambry Genetics
Classification: Uncertain significance for Cardiovascular phenotype. Last evaluated: 2024-12-23. Review status: criteria provided, single submitter. Criteria: Ambry Variant Classification Scheme 2023. Collection method: clinical testing. Allele origin: germline.
Comment: The p.Y410C variant (also known as c.1229A>G), located in coding exon 6 of the GATA4 gene, results from an A to G substitution at nucleotide position 1229. The tyrosine at codon 410 is replaced by cysteine, an amino acid with highly dissimilar properties. This amino acid position is well conserved in available vertebrate species. In addition, this alteration is predicted to be deleterious by in silico analysis. Since supporting evidence is limited at this time, the clinical significance of this alteration remains unclear.

GeneDx
Classification: Uncertain significance. Last evaluated: 2024-04-23. Review status: criteria provided, single submitter. Criteria: GeneDx Variant Classification Process June 2021. Collection method: clinical testing. Allele origin: germline. Affected: yes.
Comment: Not observed at significant frequency in large population cohorts (gnomAD); In silico analysis supports that this missense variant has a deleterious effect on protein structure/function; Has not been previously published as pathogenic or benign to our knowledge

Labcorp Genetics (formerly Invitae), Labcorp
Classification: Uncertain significance for Atrioventricular septal defect 4. Last evaluated: 2022-06-28. Review status: criteria provided, single submitter. Criteria: Invitae Variant Classification Sherloc (09022015). Collection method: clinical testing. Allele origin: germline.
Comment: This variant has not been reported in the literature in individuals affected with GATA4-related conditions. This sequence change replaces tyrosine, which is neutral and polar, with cysteine, which is neutral and slightly polar, at codon 410 of the GATA4 protein (p.Tyr410Cys). This variant is not present in population databases (gnomAD no frequency). Algorithms developed to predict the effect of missense changes on protein structure and function are either unavailable or do not agree on the potential impact of this missense change (SIFT: "Tolerated"; PolyPhen-2: "Possibly Damaging"; Align-GVGD: "Class C0"). In summary, the available evidence is currently insufficient to determine the role of this variant in disease. Therefore, it has been classified as a Variant of Uncertain Significance.

NM_001308093.3(GATA4):c.1232A>G (p.Tyr411Cys)

Gene: GATA4 (GATA binding protein 4). Cytogenetic location: 8p23.1.
Variant type: single nucleotide variant.
Coding change: c.1232A>G on transcript NM_001308093.3 (MANE Select); coding-DNA position 1232, A replaced by G.
Protein change: p.Tyr411Cys; replaces tyrosine 411 with cysteine.
Molecular consequence: missense variant.
Genome position (GRCh38, 1-based): chr8:11,758,375, A>G. VCF-style: chr8-11758375-A-G. GRCh37 (hg19) VCF-style: chr8-11615884-A-G.
Other names: c.1229A>G (NM_002052.3); c.611A>G, p.Tyr204Cys (NM_001308094.2, NM_001374273.1); c.485A>G, p.Tyr162Cys (NM_001374274.1); c.1229A>G, p.Tyr410Cys (NM_002052.5); short protein forms Y410C, Y162C, Y204C, Y411C.
Identifiers: ClinVar variation 2049266 (VCV002049266.8), dbSNP rs909187176, ClinGen allele CA370315690.